The following is an entry in ClinVar:

ClinVar aggregate classification (germline): Uncertain significance (1 of 4 stars; one submission).

Conditions:
Neurodevelopmental disorder with or without hyperkinetic movements and seizures, autosomal dominant. Also called: Intellectual disability, autosomal dominant 8. Identifiers: MedGen C3280282, MONDO:0013655, OMIM 614254.

Submission:

Labcorp Genetics (formerly Invitae), Labcorp
Classification: Uncertain significance for Neurodevelopmental disorder with or without hyperkinetic movements and seizures, autosomal dominant. Last evaluated: 2025-10-01. Review status: criteria provided, single submitter. Criteria: Invitae Variant Classification Sherloc (09022015). Collection method: clinical testing. Allele origin: germline.
Comment: This sequence change falls in intron 11 of the GRIN1 gene. It does not directly change the encoded amino acid sequence of the GRIN1 protein. It affects a nucleotide within the consensus splice site. The frequency data for this variant in the population databases is considered unreliable, as metrics indicate poor data quality at this position in the gnomAD database. This variant has not been reported in the literature in individuals affected with GRIN1-related conditions. Variants that disrupt the consensus splice site are a relatively common cause of aberrant splicing (PMID: 17576681, 9536098). Algorithms developed to predict the effect of sequence changes on RNA splicing suggest that this variant is not likely to affect RNA splicing. In summary, the available evidence is currently insufficient to determine the role of this variant in disease. Therefore, it has been classified as a Variant of Uncertain Significance.

Literature cited by the submitters: PubMed 17576681; PubMed 9536098.

NM_007327.4(GRIN1):c.1632+6C>G

Gene: GRIN1 (glutamate ionotropic receptor NMDA type subunit 1; plus strand). Cytogenetic location: 9q34.3.
Variant type: single nucleotide variant.
Coding change: c.1632+6C>G on transcript NM_007327.4 (MANE Select); 6 bases into the intron after coding-DNA position 1632, C replaced by G.
Molecular consequence: intron variant.
Genome position (GRCh38, 1-based): chr9:137,162,094, C>G. VCF-style: chr9-137162094-C-G. GRCh37 (hg19) VCF-style: chr9-140056546-C-G.
Other names: c.1695+6C>G (NM_001437330.1, NM_001185090.2, NM_001437331.1 and 1 more transcripts); c.1632+6C>G (NM_021569.4, NM_000832.7).
Identifiers: ClinVar variation 4803703 (VCV004803703.1).